The following is an entry in ClinVar:

NM_000057.4(BLM):c.2320A>G (p.Asn774Asp)

Gene: BLM (BLM RecQ like helicase; plus strand). Cytogenetic location: 15q26.1.
Variant type: single nucleotide variant.
Coding change: c.2320A>G on transcript NM_000057.4 (MANE Select); coding-DNA position 2320, A replaced by G.
Protein change: p.Asn774Asp; replaces asparagine 774 with aspartic acid.
Molecular consequence: missense variant.
Genome position (GRCh38, 1-based): chr15:90,769,145, A>G. VCF-style: chr15-90769145-A-G. GRCh37 (hg19) VCF-style: chr15-91312375-A-G.
Other names: c.2320A>G, p.Asn774Asp (NM_001287246.2, NM_001287247.2); c.1195A>G, p.Asn399Asp (NM_001287248.2); short protein forms N399D, N774D.
Identifiers: ClinVar variation 2482010 (VCV002482010.2), dbSNP rs1476764085, ClinGen allele CA393845049.

ClinVar aggregate classification (germline): Uncertain significance (1 of 4 stars; one submission).

Conditions:
Hereditary cancer-predisposing syndrome. Also called: Neoplastic Syndromes, Hereditary; Hereditary neoplastic syndrome; Tumor predisposition; Hereditary Cancer Syndrome. Identifiers: Orphanet 140162, MedGen C0027672, MeSH D009386, MONDO:0015356.

Allele frequency attached by ClinVar (database versions not stated): TOPMed below 0.00001; gnomAD 0.00001.

Submission:

Ambry Genetics
Classification: Uncertain significance for Hereditary cancer-predisposing syndrome. Last evaluated: 2022-12-24. Review status: criteria provided, single submitter. Criteria: Ambry Variant Classification Scheme 2023. Collection method: clinical testing. Allele origin: germline.
Comment: The p.N774D variant (also known as c.2320A>G), located in coding exon 10 of the BLM gene, results from an A to G substitution at nucleotide position 2320. The asparagine at codon 774 is replaced by aspartic acid, an amino acid with highly similar properties. This amino acid position is conserved. In addition, this alteration is predicted to be tolerated by in silico analysis. Since supporting evidence is limited at this time, the clinical significance of this alteration remains unclear.